The following is an entry in ClinVar:

ClinVar aggregate classification (germline): Uncertain significance. Review status: criteria provided, multiple submitters, no conflicts (2 of 4 stars). 2 submissions from 2 submitters: Uncertain significance (2). Last evaluated 2022-05-02.

Conditions:
Hereditary cancer-predisposing syndrome. Also called: Tumor predisposition; Hereditary Cancer Syndrome; Neoplastic Syndromes, Hereditary; Hereditary neoplastic syndrome. Identifiers: Orphanet 140162, MedGen C0027672, MeSH D009386, MONDO:0015356.
Neuroblastoma, susceptibility to, 3. Also called: ALK-Related Neuroblastic Tumor Susceptibility. Identifiers: Orphanet 635, MedGen C2751681, MONDO:0013083, OMIM 613014.

Submissions (2):

Ambry Genetics
Classification: Uncertain significance for Hereditary cancer-predisposing syndrome. Last evaluated: 2022-05-02. Review status: criteria provided, single submitter. Criteria: Ambry Variant Classification Scheme 2023. Collection method: clinical testing. Allele origin: germline.
Comment: The p.L1550V variant (also known as c.4648C>G), located in coding exon 29 of the ALK gene, results from a C to G substitution at nucleotide position 4648. The leucine at codon 1550 is replaced by valine, an amino acid with highly similar properties. This amino acid position is conserved. In addition, this alteration is predicted to be tolerated by in silico analysis. Since supporting evidence is limited at this time, the clinical significance of this alteration remains unclear.

Illumina Laboratory Services, Illumina
Classification: Uncertain significance for Neuroblastoma, susceptibility to, 3. Last evaluated: 2018-01-13. Review status: criteria provided, single submitter. Criteria: ICSL Variant Classification Criteria 13 December 2019. Collection method: clinical testing. Allele origin: germline.

NM_004304.5(ALK):c.4648C>G (p.Leu1550Val)

Gene: ALK (ALK receptor tyrosine kinase; minus strand). Cytogenetic location: 2p23.2.
Variant type: single nucleotide variant.
Coding change: c.4648C>G on transcript NM_004304.5 (MANE Select); coding-DNA position 4648, C replaced by G.
Protein change: p.Leu1550Val; replaces leucine 1550 with valine.
Molecular consequence: missense variant.
Genome position (GRCh38, 1-based): chr2:29,193,439, G>C on the plus strand (C>G on the coding strand, the complement: ALK is on the minus strand). VCF-style: chr2-29193439-G-C. GRCh37 (hg19) VCF-style: chr2-29416305-G-C.
Other names: c.1444C>G, p.Leu482Val (NM_001353765.2); short protein forms L1550V, L482V.
Identifiers: ClinVar variation 335686 (VCV000335686.7), dbSNP rs886055928, ClinGen allele CA10613134.